The following is an entry in ClinVar:

NM_003640.5(ELP1):c.3474C>T (p.Pro1158=)

Gene: ELP1 (elongator acetyltransferase complex subunit 1; minus strand). Cytogenetic location: 9q31.3.
Variant type: single nucleotide variant.
Coding change: c.3474C>T on transcript NM_003640.5 (MANE Select); coding-DNA position 3474, C replaced by T.
Protein change: p.Pro1158=; no amino-acid change (proline 1158 retained).
Molecular consequence: synonymous variant.
Genome position (GRCh38, 1-based): chr9:108,879,544, G>A on the plus strand (C>T on the coding strand, the complement: ELP1 is on the minus strand). VCF-style: chr9-108879544-G-A. GRCh37 (hg19) VCF-style: chr9-111641824-G-A.
Other names: c.3474C>T (LRG_251t1, NM_003640.4); c.3132C>T, p.Pro1044= (NM_001318360.2); c.2427C>T, p.Pro809= (NM_001330749.2).
Identifiers: ClinVar variation 364558 (VCV000364558.44), dbSNP rs146956297, ClinGen allele CA5174285.
Genomic context (GRCh38, chr9:108,879,544, plus strand): 5'-CATCTCACTGCCACTCACGACACTGCTAGTTTCAGAGAAGAGGTCTGACTCTTGCCCGTG[G>A]GGTACCTCATCATCTAGAAAAGAAGAACCAGAAGCCGATGAAAACACTGCCTGCTAATGT-3'
Protein context (NP_003631.2, residues 1148-1168): AQQAGLDDEV[Pro1158=]HGQESDLFSE

ClinVar aggregate classification (germline): Conflicting classifications of pathogenicity. Review status: criteria provided, conflicting classifications (1 of 4 stars). 7 submissions from 7 submitters: Uncertain significance (1); Likely benign (4). 2 of the submissions do not count toward it. Last evaluated 2026-08-01.

Conditions:
ELP1-related disorder. Also called: ELP1-related condition.
Familial dysautonomia. Also called: FD; HSAN III. Identifiers: Orphanet 1764, MedGen C0013364, MONDO:0009131, OMIM 223900. Disease mechanism: loss of function.

Allele frequency attached by ClinVar (database versions not stated): 1000 Genomes Project 0.00020; gnomAD 0.00021 and 0.00025; ESP Exome Variant Server 0.00023; TOPMed 0.00023; 1000 Genomes Project 30x 0.00031; gnomAD exomes 0.00034 and 0.00035; ExAC 0.00037.
gnomAD v4.1: 537 of 1,613,474 alleles (0.033%); highest among the groups gnomAD compares: South Asian, 0.15%; 1 homozygote.

Submissions (7):

CeGaT Center for Human Genetics Tuebingen
Classification: Likely benign. Last evaluated: 2026-08-01. Review status: criteria provided, single submitter. Criteria: CeGaT Center For Human Genetics Tuebingen Variant Classification Criteria Version 2. Collection method: clinical testing. Allele origin: germline. Affected: yes. Observed: 5 variant alleles.
Comment: ELP1: BP4, BP7

Labcorp Genetics (formerly Invitae), Labcorp
Classification: Likely benign. Last evaluated: 2026-01-26. Review status: criteria provided, single submitter. Criteria: Invitae Variant Classification Sherloc (09022015). Collection method: clinical testing. Allele origin: germline.

Ambry Genetics
Classification: Likely benign. Last evaluated: 2024-03-13. Review status: criteria provided, single submitter. Criteria: Ambry Variant Classification Scheme 2023. Collection method: clinical testing. Allele origin: germline.

GeneDx
Classification: Likely benign. Last evaluated: 2018-03-30. Review status: criteria provided, single submitter. Criteria: GeneDx Variant Classification Process June 2021. Collection method: clinical testing. Allele origin: germline. Affected: yes.

Illumina Laboratory Services, Illumina
Classification: Uncertain significance for Familial dysautonomia. Last evaluated: 2018-01-12. Review status: criteria provided, single submitter. Criteria: ICSL Variant Classification Criteria 13 December 2019. Collection method: clinical testing. Allele origin: germline.

PreventionGenetics, part of Exact Sciences
Classification: Likely benign for ELP1-related condition. Last evaluated: 2022-07-20. Review status: no assertion criteria provided. Collection method: clinical testing. Allele origin: germline. Not counted in ClinVar's aggregate classification.
Comment: This variant is classified as likely benign based on ACMG/AMP sequence variant interpretation guidelines (Richards et al. 2015 PMID: 25741868, with internal and published modifications).

Natera, Inc.
Classification: Uncertain significance for Hereditary sensory and autonomic neuropathy type III. Last evaluated: 2020-01-17. Review status: no assertion criteria provided. Collection method: clinical testing. Allele origin: germline. Not counted in ClinVar's aggregate classification.